The following is an entry in ClinVar:

NM_001903.5(CTNNA1):c.-3+3A>G

Genes: CTNNA1 (catenin alpha 1; plus strand), CTNNA1-AS1 (CTNNA1 antisense RNA 1; minus strand). Cytogenetic location: 5q31.2.
Variant type: single nucleotide variant.
Coding change: c.-3+3A>G on transcript NM_001903.5 (MANE Select); 3 bases into the intron after 3 bases upstream of the start codon, A replaced by G.
Molecular consequence: intron variant.
Genome position (GRCh38, 1-based): chr5:138,753,513, A>G. VCF-style: chr5-138753513-A-G. GRCh37 (hg19) VCF-style: chr5-138089202-A-G.
Other names: c.-473+3A>G (NM_001323982.2); c.-21+3A>G (NM_001323984.2); c.-3+3A>G (NM_001290307.3, NM_001323985.2, NM_001323986.2); c.-209+3A>G (NM_001290310.3); c.-116+3A>G (NM_001290309.3).
Identifiers: ClinVar variation 4235657 (VCV004235657.1).
Genomic context (GRCh38, chr5:138,753,513, plus strand): 5'-AAGCAGCGCCCGTCTGCTTCGGGCCTCTGGAATTTAGCGCTCGCCCAGCTAGCCGCAGGT[A>G]ACTTCGTACCTCCCTCCTCGCGGGCGCGGTCTCTCGGGCCAGGCCGAGAGGGTCCTTGGG-3'

ClinVar aggregate classification (germline): Uncertain significance (1 of 4 stars; one submission).

Conditions:
Hereditary cancer-predisposing syndrome. Also called: Hereditary Cancer Syndrome; Hereditary neoplastic syndrome; Neoplastic Syndromes, Hereditary; Tumor predisposition. Identifiers: Orphanet 140162, MedGen C0027672, MeSH D009386, MONDO:0015356.

Submission:

Ambry Genetics
Classification: Uncertain significance for Hereditary cancer-predisposing syndrome. Last evaluated: 2025-09-12. Review status: criteria provided, single submitter. Criteria: Ambry Variant Classification Scheme 2023. Collection method: clinical testing. Allele origin: germline.
Comment: The c.-3+3A>G intronic variant results from an A to G substitution 3 nucleotides after the first non-coding exon in the CTNNA1 gene. This nucleotide position is highly conserved in available vertebrate species. In silico splice site analysis predicts that this alteration will not have any significant effect on splicing. Based on the available evidence, the clinical significance of this variant remains unclear.